The following is an entry in ClinVar:

NM_001854.4(COL11A1):c.2143-3A>G

Gene: COL11A1 (collagen type XI alpha 1 chain; minus strand). Cytogenetic location: 1p21.1.
Variant type: single nucleotide variant.
Coding change: c.2143-3A>G on transcript NM_001854.4 (MANE Select); 3 bases into the intron before coding-DNA position 2143, A replaced by G.
Molecular consequence: intron variant.
Genome position (GRCh38, 1-based): chr1:102,998,366, T>C on the plus strand (A>G on the coding strand, the complement: COL11A1 is on the minus strand). VCF-style: chr1-102998366-T-C. GRCh37 (hg19) VCF-style: chr1-103463922-T-C.
Other names: c.2026-3A>G (NM_001190709.2); c.2179-3A>G (NM_080629.3); c.1795-3A>G (NM_080630.4).
Identifiers: ClinVar variation 1460857 (VCV001460857.6), dbSNP rs1664822204, ClinGen allele CA1185280387.

ClinVar aggregate classification (germline): Uncertain significance (1 of 4 stars; one submission).

Submission:

Labcorp Genetics (formerly Invitae), Labcorp
Classification: Uncertain significance. Last evaluated: 2021-09-05. Review status: criteria provided, single submitter. Criteria: Invitae Variant Classification Sherloc (09022015). Collection method: clinical testing. Allele origin: germline.
Comment: Variants that disrupt the consensus splice site are a relatively common cause of aberrant splicing (PMID: 17576681, 9536098). Algorithms developed to predict the effect of sequence changes on RNA splicing suggest that this variant may disrupt the consensus splice site. This variant has not been reported in the literature in individuals affected with COL11A1-related conditions. This variant is not present in population databases (ExAC no frequency). This sequence change falls in intron 24 of the COL11A1 gene. It does not directly change the encoded amino acid sequence of the COL11A1 protein. It affects a nucleotide within the consensus splice site of the intron. In summary, the available evidence is currently insufficient to determine the role of this variant in disease. Therefore, it has been classified as a Variant of Uncertain Significance.

Literature cited by the submitters: PubMed 17576681; PubMed 9536098.